The following is an entry in ClinVar:

NM_001399.5(EDA):c.1036T>C (p.Cys346Arg)

Gene: EDA (ectodysplasin A; plus strand). Cytogenetic location: Xq13.1.
Variant type: single nucleotide variant.
Coding change: c.1036T>C on transcript NM_001399.5 (MANE Select); coding-DNA position 1036, T replaced by C.
Protein change: p.Cys346Arg; replaces cysteine 346 with arginine.
Molecular consequence: missense variant.
Genome position (GRCh38, 1-based): chrX:70,035,469, T>C. VCF-style: chrX-70035469-T-C. GRCh37 (hg19) VCF-style: chrX-69255319-T-C.
Other names: c.1030T>C, p.Cys344Arg (NM_001005609.2); c.1021T>C, p.Cys341Arg (NM_001005612.3); short protein forms C344R, C341R, C346R.
Identifiers: ClinVar variation 2104728 (VCV002104728.4), dbSNP rs2520346963, ClinGen allele CA413449986.
Genomic context (GRCh38, chrX:70,035,469, plus strand): 5'-GAGAAGCCCTTCCTGCAGTGCACACGCAGCATCGAGACGGGCAAGACCAACTACAACACT[T>C]GCTATACCGCAGGCGTCTGCCTCCTCAAGGCCCGGCAGAAGATCGCCGTCAAGATGGTGC-3'
Protein context (NP_001390.1, residues 336-356): IETGKTNYNT[Cys346Arg]YTAGVCLLKA

ClinVar aggregate classification (germline): Likely pathogenic (1 of 4 stars; one submission).

Conditions:
Hypohidrotic X-linked ectodermal dysplasia (XHED). Also called: ECTODERMAL DYSPLASIA, HYPOHIDROTIC, 1; CST SYNDROME; Christ-Siemans-Touraine syndrome; Anhidrotic ectodermal dysplasia X-linked; Christ Siemens Touraine syndrome; ECTODERMAL DYSPLASIA 1, HYPOHIDROTIC, X-LINKED. Identifiers: Orphanet 181, Orphanet 238468, MedGen C0162359, MONDO:0010585, OMIM 305100.

Submission:

Labcorp Genetics (formerly Invitae), Labcorp
Classification: Likely pathogenic for Hypohidrotic X-linked ectodermal dysplasia. Last evaluated: 2022-04-30. Review status: criteria provided, single submitter. Criteria: Invitae Variant Classification Sherloc (09022015). Collection method: clinical testing. Allele origin: germline.
Comment: In summary, the currently available evidence indicates that the variant is pathogenic, but additional data are needed to prove that conclusively. Therefore, this variant has been classified as Likely Pathogenic. This variant disrupts the p.Cys346 amino acid residue in EDA. Other variant(s) that disrupt this residue have been observed in individuals with EDA-related conditions (PMID: 20979233, 26273176; Invitae), which suggests that this may be a clinically significant amino acid residue. Advanced modeling of protein sequence and biophysical properties (such as structural, functional, and spatial information, amino acid conservation, physicochemical variation, residue mobility, and thermodynamic stability) performed at Invitae indicates that this missense variant is expected to disrupt EDA protein function. This missense change has been observed in individual(s) with ectodermal dysplasia (Invitae). This variant is not present in population databases (gnomAD no frequency). This sequence change replaces cysteine, which is neutral and slightly polar, with arginine, which is basic and polar, at codon 346 of the EDA protein (p.Cys346Arg).

Literature cited by the submitters: PubMed 20979233; PubMed 26273176.